The following is an entry in ClinVar:

NM_001378457.1(DMXL2):c.7519A>G (p.Ser2507Gly)

Gene: DMXL2 (Dmx like 2; minus strand). Cytogenetic location: 15q21.2.
Variant type: single nucleotide variant.
Coding change: c.7519A>G on transcript NM_001378457.1 (MANE Select); coding-DNA position 7519, A replaced by G.
Protein change: p.Ser2507Gly; replaces serine 2507 with glycine.
Molecular consequence: missense variant. On other transcripts: non-coding transcript variant (2).
Genome position (GRCh38, 1-based): chr15:51,466,185, T>C on the plus strand (A>G on the coding strand, the complement: DMXL2 is on the minus strand). VCF-style: chr15-51466185-T-C. GRCh37 (hg19) VCF-style: chr15-51758382-T-C.
Other names: c.7519A>G, p.Ser2507Gly (NM_001174116.3, NM_001378461.1, NM_001378463.1); c.5608A>G, p.Ser1870Gly (NM_001174117.3); c.7516A>G, p.Ser2506Gly (NM_001378458.1, NM_001378462.1, NM_015263.5); c.7519A>G, p.Arg2507Gly (NM_001378459.1); c.5497A>G, p.Ser1833Gly (NM_001378460.1); c.7276A>G, p.Ser2426Gly (NM_001378464.1); short protein forms R2507G, S2507G, S2426G, S1833G, S1870G, S2506G.
Identifiers: ClinVar variation 2113990 (VCV002113990.4), dbSNP rs2543087397, ClinGen allele CA392439659.

ClinVar aggregate classification (germline): Uncertain significance (1 of 4 stars; one submission).

gnomAD v4.1: 2 of 1,556,128 alleles (0.00013%); highest among the groups gnomAD compares: South Asian, 0.0013%; no homozygotes.

Submission:

Labcorp Genetics (formerly Invitae), Labcorp
Classification: Uncertain significance. Last evaluated: 2022-03-27. Review status: criteria provided, single submitter. Criteria: Invitae Variant Classification Sherloc (09022015). Collection method: clinical testing. Allele origin: germline.
Comment: In summary, the available evidence is currently insufficient to determine the role of this variant in disease. Therefore, it has been classified as a Variant of Uncertain Significance. Algorithms developed to predict the effect of missense changes on protein structure and function are either unavailable or do not agree on the potential impact of this missense change (SIFT: "Tolerated"; PolyPhen-2: "Probably Damaging"; Align-GVGD: "Class C0"). This variant has not been reported in the literature in individuals affected with DMXL2-related conditions. This variant is not present in population databases (gnomAD no frequency). This sequence change replaces serine, which is neutral and polar, with glycine, which is neutral and non-polar, at codon 2507 of the DMXL2 protein (p.Ser2507Gly).